The following is an entry in ClinVar:

ClinVar aggregate classification (germline): Uncertain significance (1 of 4 stars; one submission).

Conditions:
Epidermodysplasia verruciformis. Identifiers: Orphanet 302, MedGen C0014522, MONDO:0009176.

Allele frequency attached by ClinVar (database versions not stated): gnomAD 0.00001; gnomAD exomes below 0.00001; TOPMed 0.00002.
gnomAD v4.1: 21 of 1,613,662 alleles (0.0013%); highest among the groups gnomAD compares: Non-Finnish European, 0.0017%; no homozygotes.

Submission:

Labcorp Genetics (formerly Invitae), Labcorp
Classification: Uncertain significance for Epidermodysplasia verruciformis. Last evaluated: 2021-09-01. Review status: criteria provided, single submitter. Criteria: Invitae Variant Classification Sherloc (09022015). Collection method: clinical testing. Allele origin: germline.
Comment: This sequence change replaces isoleucine with methionine at codon 267 of the TMC8 protein (p.Ile267Met). The isoleucine residue is moderately conserved and there is a small physicochemical difference between isoleucine and methionine. This variant is not present in population databases (ExAC no frequency). This variant has not been reported in the literature in individuals affected with TMC8-related conditions. Algorithms developed to predict the effect of missense changes on protein structure and function are either unavailable or do not agree on the potential impact of this missense change (SIFT: "Deleterious"; PolyPhen-2: "Possibly Damaging"; Align-GVGD: "Class C0"). In summary, the available evidence is currently insufficient to determine the role of this variant in disease. Therefore, it has been classified as a Variant of Uncertain Significance.

NM_152468.5(TMC8):c.801C>G (p.Ile267Met)

Gene: TMC8 (transmembrane channel like 8; plus strand). Cytogenetic location: 17q25.3.
Variant type: single nucleotide variant.
Coding change: c.801C>G on transcript NM_152468.5 (MANE Select); coding-DNA position 801, C replaced by G.
Protein change: p.Ile267Met; replaces isoleucine 267 with methionine.
Molecular consequence: missense variant.
Genome position (GRCh38, 1-based): chr17:78,133,985, C>G. VCF-style: chr17-78133985-C-G. GRCh37 (hg19) VCF-style: chr17-76130066-C-G.
Other names: short protein forms I267M.
Identifiers: ClinVar variation 966181 (VCV000966181.6), dbSNP rs767152216, ClinGen allele CA294364735.